The following is an entry in ClinVar:

NM_000173.7(GP1BA):c.1272G>A (p.Pro424=)

Gene: GP1BA (glycoprotein Ib platelet subunit alpha; plus strand). Cytogenetic location: 17p13.2.
Variant type: single nucleotide variant.
Coding change: c.1272G>A on transcript NM_000173.7 (MANE Select); coding-DNA position 1272, G replaced by A.
Protein change: p.Pro424=; no amino-acid change (proline 424 retained).
Molecular consequence: synonymous variant.
Genome position (GRCh38, 1-based): chr17:4,933,876, G>A. VCF-style: chr17-4933876-G-A. GRCh37 (hg19) VCF-style: chr17-4837171-G-A.
Identifiers: ClinVar variation 3030172 (VCV003030172.8), dbSNP rs868035529, ClinGen allele CA287217225.
Genomic context (GRCh38, chr17:4,933,876, plus strand): 5'-CACTCCAAGCCCGACCACCCCAGAGCCCACCTCAGAGCCCGCCCCCAGCCCGACCACCCC[G>A]GAGCCCACCTCAGAGCCCGCCCCCAGCCCGACCACCCCAGAGCCCACCTCAGAGCCCGCC-3'
Protein context (NP_000164.5, residues 414-434): TSEPAPSPTT[Pro424=]EPTSEPAPSP

ClinVar aggregate classification (germline): Likely benign. Review status: criteria provided, single submitter (1 of 4 stars). 2 submissions from 2 submitters: Likely benign (1). 1 of the submissions does not count toward it. Last evaluated 2025-11-01.

Conditions:
GP1BA-related disorder. Also called: GP1BA-related condition.

Submissions (2):

CeGaT Center for Human Genetics Tuebingen
Classification: Likely benign. Last evaluated: 2025-11-01. Review status: criteria provided, single submitter. Criteria: CeGaT Center For Human Genetics Tuebingen Variant Classification Criteria Version 2. Collection method: clinical testing. Allele origin: germline. Affected: yes. Observed: 1 variant allele.
Comment: GP1BA: BP4, BP7

PreventionGenetics, part of Exact Sciences
Classification: Likely benign for GP1BA-related condition. Last evaluated: 2022-01-14. Review status: no assertion criteria provided. Collection method: clinical testing. Allele origin: germline. Not counted in ClinVar's aggregate classification.
Comment: This variant is classified as likely benign based on ACMG/AMP sequence variant interpretation guidelines (Richards et al. 2015 PMID: 25741868, with internal and published modifications).